The following is an entry in ClinVar:

NM_001849.4(COL6A2):c.1671+17C>T

Gene: COL6A2 (collagen type VI alpha 2 chain; plus strand). Cytogenetic location: 21q22.3.
Variant type: single nucleotide variant.
Coding change: c.1671+17C>T on transcript NM_001849.4 (MANE Select); 17 bases into the intron after coding-DNA position 1671, C replaced by T.
Molecular consequence: intron variant.
Genome position (GRCh38, 1-based): chr21:46,122,954, C>T. VCF-style: chr21-46122954-C-T. GRCh37 (hg19) VCF-style: chr21-47542868-C-T.
Other names: c.1671+17C>T (NM_058175.3, NM_058174.3).
Identifiers: ClinVar variation 509174 (VCV000509174.9), dbSNP rs372188653, ClinGen allele CA10072084.
Genomic context (GRCh38, chr21:46,122,954, plus strand): 5'-GCTTGAAAGGAGAACCTGGGAGGAAAGGAGAGAAAGGAGAGCCTGTGAGTGTCACCGTCC[C>T]GAAGCCCACAGCAGCTGGGCAGAGGCAGGGAGGGGCCCTGAGGCTGAGCGTGTGCATCTA-3'

ClinVar aggregate classification (germline): Likely benign. Review status: criteria provided, multiple submitters, no conflicts (2 of 4 stars). 2 submissions from 2 submitters: Likely benign (2). Last evaluated 2025-09-04.

Conditions:
Bethlem myopathy 1A. Also called: MYOPATHY, BENIGN CONGENITAL, WITH CONTRACTURES; Bethlem myopathy 1; Bethlem Muscular Dystrophy. Identifiers: Orphanet 610, MedGen CN029274, MONDO:0024530, OMIM 158810.

Allele frequency attached by ClinVar (database versions not stated): gnomAD exomes 0.00006; ExAC 0.00007; TOPMed 0.00007; ESP Exome Variant Server 0.00008.
gnomAD v4.1: 61 of 1,612,052 alleles (0.0038%); highest among the groups gnomAD compares: East Asian, 0.036%; no homozygotes.

Submissions (2):

Labcorp Genetics (formerly Invitae), Labcorp
Classification: Likely benign for Bethlem myopathy 1A. Last evaluated: 2025-09-04. Review status: criteria provided, single submitter. Criteria: Invitae Variant Classification Sherloc (09022015). Collection method: clinical testing. Allele origin: germline.

GeneDx
Classification: Likely benign. Last evaluated: 2017-04-26. Review status: criteria provided, single submitter. Criteria: GeneDx Variant Classification (06012015). Collection method: clinical testing. Allele origin: germline. Affected: yes.
Comment: This variant is considered likely benign or benign based on one or more of the following criteria: it is a conservative change, it occurs at a poorly conserved position in the protein, it is predicted to be benign by multiple in silico algorithms, and/or has population frequency not consistent with disease.